The following is an entry in ClinVar:

ClinVar aggregate classification (germline): Uncertain significance (1 of 4 stars; one submission).

Conditions:
Epidermolysis bullosa simplex with nail dystrophy (EBS5D). Identifiers: MedGen C4225309, MONDO:0014661, OMIM 616487.
Epidermolysis bullosa simplex 5B, with muscular dystrophy (EBS5B). Also called: Epidermolysis bullosa simplex with muscular dystrophy; EPIDERMOLYSIS BULLOSA SIMPLEX AND LIMB-GIRDLE MUSCULAR DYSTROPHY. Identifiers: Orphanet 257, MedGen C2931072, MONDO:0009181, OMIM 226670.
Epidermolysis bullosa simplex, Ogna type (EBS5A). Also called: EPIDERMOLYSIS BULLOSA SIMPLEX 5A, OGNA TYPE; Pidermolysis bullosa simplex 5A, Ogna type. Identifiers: Orphanet 79401, MedGen C0432317, MONDO:0007555, OMIM 131950.
Epidermolysis bullosa simplex 5C, with pyloric atresia (EBS5C). Also called: PLEC-Related Epidermolysis Bullosa with Pyloric Atresia; Epidermolysis bullosa simplex with pyloric atresia; PLEC1-Related Epidermolysis Bullosa with Pyloric Atresia. Identifiers: Orphanet 158684, MedGen C2677349, MONDO:0012807, OMIM 612138.
Autosomal recessive limb-girdle muscular dystrophy type 2Q (LGMDR17). Also called: MUSCULAR DYSTROPHY, LIMB-GIRDLE, AUTOSOMAL RECESSIVE 17. Identifiers: Orphanet 254361, MedGen C3150989, MONDO:0013390, OMIM 613723.

Allele frequency attached by ClinVar (database versions not stated): gnomAD exomes 0.00001.
gnomAD v4.1: 17 of 1,603,902 alleles (0.0011%); highest among the groups gnomAD compares: East Asian, 0.0067%; no homozygotes.

Submission:

Labcorp Genetics (formerly Invitae), Labcorp
Classification: Uncertain significance for Autosomal recessive limb-girdle muscular dystrophy type 2Q; Epidermolysis bullosa simplex, Ogna type; Epidermolysis bullosa simplex with nail dystrophy; Epidermolysis bullosa simplex 5C, with pyloric atresia; Epidermolysis bullosa simplex 5B, with muscular dystrophy. Last evaluated: 2023-03-01. Review status: criteria provided, single submitter. Criteria: Invitae Variant Classification Sherloc (09022015). Collection method: clinical testing. Allele origin: germline.
Comment: Advanced modeling of protein sequence and biophysical properties (such as structural, functional, and spatial information, amino acid conservation, physicochemical variation, residue mobility, and thermodynamic stability) has been performed at Invitae for this missense variant, however the output from this modeling did not meet the statistical confidence thresholds required to predict the impact of this variant on PLEC protein function. In summary, the available evidence is currently insufficient to determine the role of this variant in disease. Therefore, it has been classified as a Variant of Uncertain Significance. ClinVar contains an entry for this variant (Variation ID: 1948832). This variant has not been reported in the literature in individuals affected with PLEC-related conditions. This variant is present in population databases (no rsID available, gnomAD 0.003%). This sequence change replaces valine, which is neutral and non-polar, with methionine, which is neutral and non-polar, at codon 3444 of the PLEC protein (p.Val3444Met).

NM_201384.3(PLEC):c.10249G>A (p.Val3417Met)

Gene: PLEC (plectin; minus strand). Cytogenetic location: 8q24.3.
Variant type: single nucleotide variant.
Coding change: c.10249G>A on transcript NM_201384.3 (MANE Select); coding-DNA position 10249, G replaced by A.
Protein change: p.Val3417Met; replaces valine 3417 with methionine.
Molecular consequence: missense variant.
Genome position (GRCh38, 1-based): chr8:143,919,572, C>T on the plus strand (G>A on the coding strand, the complement: PLEC is on the minus strand). VCF-style: chr8-143919572-C-T. GRCh37 (hg19) VCF-style: chr8-144993740-C-T.
Other names: c.10330G>A, p.Val3444Met (NM_000445.5); c.6949G>A, p.Val2317Met (NM_001410941.1); c.10207G>A, p.Val3403Met (NM_201378.4); c.10183G>A, p.Val3395Met (NM_201379.3); c.10660G>A, p.Val3554Met (NM_201380.4); c.10153G>A, p.Val3385Met (NM_201381.3); c.10249G>A, p.Val3417Met (NM_201382.4); c.10261G>A, p.Val3421Met (NM_201383.3); short protein forms V3417M, V3403M, V3444M, V2317M, V3385M, V3395M, V3421M, V3554M.
Identifiers: ClinVar variation 1948832 (VCV001948832.5), dbSNP rs781960648, ClinGen allele CA372502522.